The following is an entry in ClinVar:

NM_001273.5(CHD4):c.358C>T (p.Leu120Phe)

Gene: CHD4 (chromodomain helicase DNA binding protein 4; minus strand). Cytogenetic location: 12p13.31.
Variant type: single nucleotide variant.
Coding change: c.358C>T on transcript NM_001273.5 (MANE Select); coding-DNA position 358, C replaced by T.
Protein change: p.Leu120Phe; replaces leucine 120 with phenylalanine.
Molecular consequence: missense variant.
Genome position (GRCh38, 1-based): chr12:6,602,040, G>A on the plus strand (C>T on the coding strand, the complement: CHD4 is on the minus strand). VCF-style: chr12-6602040-G-A. GRCh37 (hg19) VCF-style: chr12-6711206-G-A.
Other names: c.358C>T (NM_001273.2); c.337C>T, p.Leu113Phe (NM_001297553.2); c.358C>T, p.Leu120Phe (NM_001363606.2); short protein forms L120F, L113F.
Identifiers: ClinVar variation 3023251 (VCV003023251.4), dbSNP rs1173487990, ClinGen allele CA6412541.

ClinVar aggregate classification (germline): Uncertain significance. Review status: criteria provided, multiple submitters, no conflicts (2 of 4 stars). 2 submissions from 2 submitters: Uncertain significance (2). Last evaluated 2025-01-20.

Conditions:
Inborn genetic diseases. Identifiers: MedGen C0950123, MeSH D030342.

Allele frequency attached by ClinVar (database versions not stated): ExAC 0.00001; gnomAD 0.00001; gnomAD exomes 0.00001; TOPMed 0.00003.
gnomAD v4.1: 8 of 1,611,640 alleles (0.0005%); highest among the groups gnomAD compares: Admixed American, 0.012%; no homozygotes.

Submissions (2):

Ambry Genetics
Classification: Uncertain significance for Inborn genetic diseases. Last evaluated: 2025-01-20. Review status: criteria provided, single submitter. Criteria: Ambry Variant Classification Scheme 2023. Collection method: clinical testing. Allele origin: germline.

Labcorp Genetics (formerly Invitae), Labcorp
Classification: Uncertain significance. Last evaluated: 2023-05-20. Review status: criteria provided, single submitter. Criteria: Invitae Variant Classification Sherloc (09022015). Collection method: clinical testing. Allele origin: germline.
Comment: This sequence change replaces leucine, which is neutral and non-polar, with phenylalanine, which is neutral and non-polar, at codon 120 of the CHD4 protein (p.Leu120Phe). This variant is present in population databases (no rsID available, gnomAD 0.01%). This variant has not been reported in the literature in individuals affected with CHD4-related conditions. Advanced modeling of protein sequence and biophysical properties (such as structural, functional, and spatial information, amino acid conservation, physicochemical variation, residue mobility, and thermodynamic stability) performed at Invitae indicates that this missense variant is not expected to disrupt CHD4 protein function. In summary, the available evidence is currently insufficient to determine the role of this variant in disease. Therefore, it has been classified as a Variant of Uncertain Significance.